The following is an entry in ClinVar:

NM_000090.4(COL3A1):c.3317A>G (p.Lys1106Arg)

Gene: COL3A1 (collagen type III alpha 1 chain; plus strand). Cytogenetic location: 2q32.2.
Variant type: single nucleotide variant.
Coding change: c.3317A>G on transcript NM_000090.4 (MANE Select); coding-DNA position 3317, A replaced by G.
Protein change: p.Lys1106Arg; replaces lysine 1106 with arginine.
Molecular consequence: missense variant.
Genome position (GRCh38, 1-based): chr2:189,007,561, A>G. VCF-style: chr2-189007561-A-G. GRCh37 (hg19) VCF-style: chr2-189872287-A-G.
Other names: short protein forms K1106R.
Identifiers: ClinVar variation 2775146 (VCV002775146.2), dbSNP rs1576472601, ClinGen allele CA349845779.

ClinVar aggregate classification (germline): Uncertain significance (1 of 4 stars; one submission).

Conditions:
Familial thoracic aortic aneurysm and aortic dissection (TAAD). Also called: Thoracic aortic aneurysms and dissections. Identifiers: Orphanet 91387, MedGen C4707243, MONDO:0019625.

Allele frequency attached by ClinVar (database versions not stated): gnomAD 0.00002.
gnomAD v4.1: 6 of 1,613,802 alleles (0.00037%); highest among the groups gnomAD compares: East Asian, 0.0045%; no homozygotes.

Submission:

Color Diagnostics, LLC DBA Color Health
Classification: Uncertain significance for Familial thoracic aortic aneurysm and aortic dissection. Last evaluated: 2023-05-30. Review status: criteria provided, single submitter. Criteria: ACMG Guidelines, 2015. Collection method: clinical testing. Allele origin: germline.
Comment: This missense variant replaces lysine with arginine at codon 1106 of the COL3A1 protein. Computational prediction suggests that this variant may have deleterious impact on protein structure and function (internally defined REVEL score threshold >= 0.7, PMID: 27666373). To our knowledge, functional studies have not been reported for this variant. This variant has not been reported in individuals affected with COL3A1-related disorders in the literature. This variant has not been identified in the general population by the Genome Aggregation Database (gnomAD). The available evidence is insufficient to determine the role of this variant in disease conclusively. Therefore, this variant is classified as a Variant of Uncertain Significance.